The following is an entry in ClinVar:

NM_003079.5(SMARCE1):c.631G>T (p.Val211Leu)

Gene: SMARCE1 (SWI/SNF related BAF chromatin remodeling complex subunit E1; minus strand). Cytogenetic location: 17q21.2.
Variant type: single nucleotide variant.
Coding change: c.631G>T on transcript NM_003079.5 (MANE Select); coding-DNA position 631, G replaced by T.
Protein change: p.Val211Leu; replaces valine 211 with leucine.
Molecular consequence: missense variant.
Genome position (GRCh38, 1-based): chr17:40,632,278, C>A on the plus strand (G>T on the coding strand, the complement: SMARCE1 is on the minus strand). VCF-style: chr17-40632278-C-A. GRCh37 (hg19) VCF-style: chr17-38788530-C-A.
Other names: c.631G>T (NM_003079.4); short protein forms V211L.
Identifiers: ClinVar variation 1462685 (VCV001462685.9), dbSNP rs2037102677, ClinGen allele CA399364708.
Genomic context (GRCh38, chr17:40,632,278, plus strand): 5'-CCTGCCGTTTGAGGACCTGCATTCTAGCTGTTGTGACAACTGACCGAACGTCTGGCACCA[C>A]ACTCTCACTAAGAATTTCACTGATGAGGCGGTGGTTTCTCTGGAAACGGGCGGTGGCTGT-3'
Protein context (NP_003070.3, residues 201-221): RLISEILSES[Val211Leu]VPDVRSVVTT

ClinVar aggregate classification (germline): Uncertain significance. Review status: criteria provided, multiple submitters, no conflicts (2 of 4 stars). 2 submissions from 2 submitters: Uncertain significance (2). Last evaluated 2025-05-17.

Conditions:
Hereditary cancer-predisposing syndrome. Also called: Tumor predisposition; Hereditary neoplastic syndrome; Hereditary Cancer Syndrome; Neoplastic Syndromes, Hereditary. Identifiers: Orphanet 140162, MedGen C0027672, MeSH D009386, MONDO:0015356.
Familial meningioma. Also called: Meningioma, familial, susceptibility to. Identifiers: Orphanet 263662, MedGen C3551915, MONDO:0011789, OMIM 607174.

Submissions (2):

Ambry Genetics
Classification: Uncertain significance for Hereditary cancer-predisposing syndrome. Last evaluated: 2025-05-17. Review status: criteria provided, single submitter. Criteria: Ambry Variant Classification Scheme 2023. Collection method: clinical testing. Allele origin: germline.
Comment: The p.V211L variant (also known as c.631G>T), located in coding exon 7 of the SMARCE1 gene, results from a G to T substitution at nucleotide position 631. The valine at codon 211 is replaced by leucine, an amino acid with highly similar properties. This amino acid position is conserved. In addition, the in silico prediction for this alteration is inconclusive. Based on the available evidence, the clinical significance of this variant remains unclear.

Labcorp Genetics (formerly Invitae), Labcorp
Classification: Uncertain significance for Familial meningioma. Last evaluated: 2021-06-29. Review status: criteria provided, single submitter. Criteria: Invitae Variant Classification Sherloc (09022015). Collection method: clinical testing. Allele origin: germline.
Comment: This sequence change replaces valine with leucine at codon 211 of the SMARCE1 protein (p.Val211Leu). The valine residue is highly conserved and there is a small physicochemical difference between valine and leucine. This variant is not present in population databases (ExAC no frequency). This variant has not been reported in the literature in individuals affected with SMARCE1-related conditions. Algorithms developed to predict the effect of missense changes on protein structure and function are either unavailable or do not agree on the potential impact of this missense change (SIFT: "Deleterious"; PolyPhen-2: "Benign"; Align-GVGD: "Class C0"). In summary, the available evidence is currently insufficient to determine the role of this variant in disease. Therefore, it has been classified as a Variant of Uncertain Significance.